The following is an entry in ClinVar:

ClinVar aggregate classification (germline): Uncertain significance. Review status: criteria provided, multiple submitters, no conflicts (2 of 4 stars). 2 submissions from 2 submitters: Uncertain significance (2). Last evaluated 2022-09-08.

Conditions:
Donnai-Barrow syndrome. Also called: DBS/FOAR SYNDROME; FACIOOCULOACOUSTICORENAL SYNDROME. Identifiers: Orphanet 2143, MedGen C1857277, MONDO:0009104, OMIM 222448.

Allele frequency attached by ClinVar (database versions not stated): gnomAD exomes below 0.00001; TOPMed 0.00003.
gnomAD v4.1: 2 of 1,614,172 alleles (0.00012%); highest among the groups gnomAD compares: African/African-American, 0.0027%; no homozygotes.

Submissions (2):

Labcorp Genetics (formerly Invitae), Labcorp
Classification: Uncertain significance. Last evaluated: 2022-09-08. Review status: criteria provided, single submitter. Criteria: Invitae Variant Classification Sherloc (09022015). Collection method: clinical testing. Allele origin: germline.
Comment: This sequence change replaces serine, which is neutral and polar, with threonine, which is neutral and polar, at codon 4636 of the LRP2 protein (p.Ser4636Thr). This variant is not present in population databases (gnomAD no frequency). This variant has not been reported in the literature in individuals affected with LRP2-related conditions. ClinVar contains an entry for this variant (Variation ID: 1418987). Advanced modeling of protein sequence and biophysical properties (such as structural, functional, and spatial information, amino acid conservation, physicochemical variation, residue mobility, and thermodynamic stability) performed at Invitae indicates that this missense variant is not expected to disrupt LRP2 protein function. In summary, the available evidence is currently insufficient to determine the role of this variant in disease. Therefore, it has been classified as a Variant of Uncertain Significance.

Fulgent Genetics
Classification: Uncertain significance for Donnai-Barrow syndrome. Last evaluated: 2022-03-16. Review status: criteria provided, single submitter. Criteria: ACMG Guidelines, 2015. Collection method: clinical testing. Allele origin: unknown.

NM_004525.3(LRP2):c.13906T>A (p.Ser4636Thr)

Gene: LRP2 (LDL receptor related protein 2; minus strand). Cytogenetic location: 2q31.1.
Variant type: single nucleotide variant.
Coding change: c.13906T>A on transcript NM_004525.3 (MANE Select); coding-DNA position 13906, T replaced by A.
Protein change: p.Ser4636Thr; replaces serine 4636 with threonine.
Molecular consequence: missense variant.
Genome position (GRCh38, 1-based): chr2:169,128,725, A>T on the plus strand (T>A on the coding strand, the complement: LRP2 is on the minus strand). VCF-style: chr2-169128725-A-T. GRCh37 (hg19) VCF-style: chr2-169985235-A-T.
Other names: short protein forms S4636T.
Identifiers: ClinVar variation 1418987 (VCV001418987.6), dbSNP rs1024105423, ClinGen allele CA59911104.
Genomic context (GRCh38, chr2:169,128,725, plus strand): 5'-ATACTTCAGAGTCTTCTTTAACAAGATTTGCGGTGTCTTTAAAAGTGTCTTCTGTTGCAG[A>T]ATAGGTTGGAGTTGGGTCTCTTCTCGAAGGAGGCTTAGGCTTAGCAGGGAGCGAAGGTGA-3'
Protein context (NP_004516.2, residues 4626-4646): PSRRDPTPTY[Ser4636Thr]ATEDTFKDTA